The following is an entry in ClinVar:

NM_001190787.3(MCIDAS):c.1040C>T (p.Ser347Phe)

Gene: MCIDAS (multiciliate differentiation and DNA synthesis associated cell cycle protein; minus strand). Cytogenetic location: 5q11.2.
Variant type: single nucleotide variant.
Coding change: c.1040C>T on transcript NM_001190787.3 (MANE Select); coding-DNA position 1040, C replaced by T.
Protein change: p.Ser347Phe; replaces serine 347 with phenylalanine.
Molecular consequence: missense variant.
Genome position (GRCh38, 1-based): chr5:55,220,484, G>A on the plus strand (C>T on the coding strand, the complement: MCIDAS is on the minus strand). VCF-style: chr5-55220484-G-A. GRCh37 (hg19) VCF-style: chr5-54516312-G-A.
Other names: short protein forms S347F.
Identifiers: ClinVar variation 939353 (VCV000939353.11), dbSNP rs561481156, ClinGen allele CA118981294.

ClinVar aggregate classification (germline): Uncertain significance. Review status: criteria provided, multiple submitters, no conflicts (2 of 4 stars). 3 submissions from 3 submitters: Uncertain significance (3). Last evaluated 2022-11-08.

Conditions:
Primary ciliary dyskinesia. Also called: Ciliary dyskinesia. Identifiers: Orphanet 244, MedGen C0008780, MONDO:0016575, HP:0012265.
Ciliary dyskinesia, primary, 42. Also called: CILIARY DYSKINESIA, PRIMARY, 42, WITHOUT SITUS INVERSUS. Identifiers: MedGen C5231464, MONDO:0032872, OMIM 618695.
Inborn genetic diseases. Identifiers: MedGen C0950123, MeSH D030342.

Allele frequency attached by ClinVar (database versions not stated): gnomAD exomes 0.00004 and 0.00010; gnomAD 0.00022 and 0.00023; TOPMed 0.00037; 1000 Genomes Project 0.00080; 1000 Genomes Project 30x 0.00109.

Submissions (3):

Ambry Genetics
Classification: Uncertain significance for Inborn genetic diseases. Last evaluated: 2022-11-08. Review status: criteria provided, single submitter. Criteria: Ambry Variant Classification Scheme 2023. Collection method: clinical testing. Allele origin: germline.

Labcorp Genetics (formerly Invitae), Labcorp
Classification: Uncertain significance for Primary ciliary dyskinesia. Last evaluated: 2022-08-19. Review status: criteria provided, single submitter. Criteria: Invitae Variant Classification Sherloc (09022015). Collection method: clinical testing. Allele origin: germline.
Comment: This sequence change replaces serine, which is neutral and polar, with phenylalanine, which is neutral and non-polar, at codon 347 of the MCIDAS protein (p.Ser347Phe). This variant is present in population databases (rs561481156, gnomAD 0.1%). This variant has not been reported in the literature in individuals affected with MCIDAS-related conditions. ClinVar contains an entry for this variant (Variation ID: 939353). Algorithms developed to predict the effect of missense changes on protein structure and function (SIFT, PolyPhen-2, Align-GVGD) all suggest that this variant is likely to be disruptive. In summary, the available evidence is currently insufficient to determine the role of this variant in disease. Therefore, it has been classified as a Variant of Uncertain Significance.

Revvity Omics, Revvity
Classification: Uncertain significance for Ciliary dyskinesia, primary, 42. Last evaluated: 2022-03-21. Review status: criteria provided, single submitter. Criteria: ACMG Guidelines, 2015. Collection method: clinical testing. Allele origin: germline.